The following is an entry in ClinVar:

ClinVar aggregate classification (germline): Uncertain significance (1 of 4 stars; one submission).

Conditions:
Early-infantile DEE. Also called: Early infantile epileptic encephalopathy; Early infantile epileptic encephalopathy with suppression bursts; Ohtahara syndrome. Identifiers: Orphanet 1934, MedGen C0393706, MONDO:0800491.

Submission:

Labcorp Genetics (formerly Invitae), Labcorp
Classification: Uncertain significance for Early-infantile DEE. Last evaluated: 2023-04-15. Review status: criteria provided, single submitter. Criteria: Invitae Variant Classification Sherloc (09022015). Collection method: clinical testing. Allele origin: germline.
Comment: This variant has not been reported in the literature in individuals affected with SCN1A-related conditions. This variant is not present in population databases (gnomAD no frequency). This sequence change replaces glycine, which is neutral and non-polar, with serine, which is neutral and polar, at codon 1644 of the SCN1A protein (p.Gly1644Ser). Advanced modeling of protein sequence and biophysical properties (such as structural, functional, and spatial information, amino acid conservation, physicochemical variation, residue mobility, and thermodynamic stability) performed at Invitae indicates that this missense variant is expected to disrupt SCN1A protein function. In summary, the available evidence is currently insufficient to determine the role of this variant in disease. Therefore, it has been classified as a Variant of Uncertain Significance.

NM_001165963.4(SCN1A):c.4930G>A (p.Gly1644Ser)

Genes: SCN1A (sodium voltage-gated channel alpha subunit 1; minus strand), LOC102724058 (uncharacterized LOC102724058; plus strand). Cytogenetic location: 2q24.3.
Variant type: single nucleotide variant.
Coding change: c.4930G>A on transcript NM_001165963.4 (MANE Select); coding-DNA position 4930, G replaced by A.
Protein change: p.Gly1644Ser; replaces glycine 1644 with serine.
Molecular consequence: missense variant. On other transcripts: non-coding transcript variant (1).
Genome position (GRCh38, 1-based): chr2:165,992,345, C>T on the plus strand (G>A on the coding strand, the complement: SCN1A is on the minus strand). VCF-style: chr2-165992345-C-T. GRCh37 (hg19) VCF-style: chr2-166848855-C-T.
Other names: c.4846G>A, p.Gly1616Ser (NM_001165964.3, NM_001353957.2, NM_001353958.2); c.4930G>A, p.Gly1644Ser (NM_001202435.3, NM_001353948.2); c.4897G>A, p.Gly1633Ser (NM_001353949.2, NM_001353950.2, NM_001353951.2 and 2 more transcripts); c.4894G>A, p.Gly1632Ser (NM_001353954.2, NM_001353955.2); c.4843G>A, p.Gly1615Ser (NM_001353960.2); c.2488G>A, p.Gly830Ser (NM_001353961.2); short protein forms G1616S, G1615S, G1633S, G1632S, G1644S, G830S.
Identifiers: ClinVar variation 2806373 (VCV002806373.3), dbSNP rs1559105762, ClinGen allele CA349070139.
Genomic context (GRCh38, chr2:165,992,345, plus strand): 5'-TCAAAGCAAAGAGCAGCGTGCGGATCCCCTTTGCTCCTTTGATCAGACGTAGGATTCGGC[C>T]AATCCTAGCAAGACGGATCACTCGGAACAGGGTAGGGGACACGAAATACTTTTCTATCAG-3'
Protein context (NP_001159435.1, residues 1634-1654): LFRVIRLARI[Gly1644Ser]RILRLIKGAK